The following is an entry in ClinVar:

NM_000127.3(EXT1):c.1836G>A (p.Trp612Ter)

Gene: EXT1 (exostosin glycosyltransferase 1; minus strand). Cytogenetic location: 8q24.11.
Variant type: single nucleotide variant.
Coding change: c.1836G>A on transcript NM_000127.3 (MANE Select); coding-DNA position 1836, G replaced by A.
Protein change: p.Trp612Ter; replaces tryptophan 612 with a stop codon.
Molecular consequence: nonsense.
Genome position (GRCh38, 1-based): chr8:117,807,264, C>T on the plus strand (G>A on the coding strand, the complement: EXT1 is on the minus strand). VCF-style: chr8-117807264-C-T. GRCh37 (hg19) VCF-style: chr8-118819503-C-T.
Other names: short protein forms W612*.
Identifiers: ClinVar variation 1401290 (VCV001401290.8), dbSNP rs2129701239, ClinGen allele CA371878084.

ClinVar aggregate classification (germline): Pathogenic (1 of 4 stars; one submission).

Conditions:
Multiple congenital exostosis (EXT). Also called: Multiple osteochondromas; MULTIPLE CARTILAGINOUS EXOSTOSES; Multiple exostoses; Hereditary multiple exostoses; Hereditary multiple exostosis; Hereditary multiple osteochondromas. Identifiers: Orphanet 321, MedGen C0015306, MONDO:0005508, HP:0002762.

Submission:

Labcorp Genetics (formerly Invitae), Labcorp
Classification: Pathogenic for Multiple congenital exostosis. Last evaluated: 2020-11-18. Review status: criteria provided, single submitter. Criteria: Invitae Variant Classification Sherloc (09022015). Collection method: clinical testing. Allele origin: germline.
Comment: For these reasons, this variant has been classified as Pathogenic. This variant has been observed in individual(s) with hereditary multiple osteochondromas (PMID: 19810120). This variant is not present in population databases (ExAC no frequency). This sequence change creates a premature translational stop signal (p.Trp612*) in the EXT1 gene. It is expected to result in an absent or disrupted protein product. Loss-of-function variants in EXT1 are known to be pathogenic (PMID: 10679937, 11391482, 19810120).

Literature cited by the submitters: PubMed 19810120; PubMed 10679937; PubMed 11391482.